The following is an entry in ClinVar:

ClinVar aggregate classification (germline): Pathogenic (1 of 4 stars; one submission).

Submission:

Labcorp Genetics (formerly Invitae), Labcorp
Classification: Pathogenic. Last evaluated: 2023-12-03. Review status: criteria provided, single submitter. Criteria: Invitae Variant Classification Sherloc (09022015). Collection method: clinical testing. Allele origin: germline.
Comment: This sequence change creates a premature translational stop signal (p.Leu160*) in the MCPH1 gene. It is expected to result in an absent or disrupted protein product. Loss-of-function variants in MCPH1 are known to be pathogenic (PMID: 20978018). This variant is not present in population databases (gnomAD no frequency). This variant has not been reported in the literature in individuals affected with MCPH1-related conditions. For these reasons, this variant has been classified as Pathogenic.

Literature cited by the submitters: PubMed 20978018.

NM_024596.5(MCPH1):c.479T>A (p.Leu160Ter)

Gene: MCPH1 (microcephalin 1; plus strand). Cytogenetic location: 8p23.1.
Variant type: single nucleotide variant.
Coding change: c.479T>A on transcript NM_024596.5 (MANE Select); coding-DNA position 479, T replaced by A.
Protein change: p.Leu160Ter; replaces leucine 160 with a stop codon.
Molecular consequence: nonsense. On other transcripts: non-coding transcript variant (1), intron variant (1).
Genome position (GRCh38, 1-based): chr8:6,438,995, T>A. VCF-style: chr8-6438995-T-A. GRCh37 (hg19) VCF-style: chr8-6296516-T-A.
Other names: c.436+2833T>A (NM_001172575.2); c.479T>A, p.Leu160Ter (NM_001410916.1, NM_001410917.1, NM_001172574.2 and 3 more transcripts); c.473T>A, p.Leu158Ter (NM_001322043.2); c.377T>A, p.Leu126Ter (NM_001322045.2); short protein forms L158*, L160*, L126*.
Identifiers: ClinVar variation 2872441 (VCV002872441.3), dbSNP rs2486061080, ClinGen allele CA370218341.